The following is an entry in ClinVar:

NM_005609.4(PYGM):c.1433A>G (p.His478Arg)

Gene: PYGM (glycogen phosphorylase, muscle associated; minus strand). Cytogenetic location: 11q13.1.
Variant type: single nucleotide variant.
Coding change: c.1433A>G on transcript NM_005609.4 (MANE Select); coding-DNA position 1433, A replaced by G.
Protein change: p.His478Arg; replaces histidine 478 with arginine.
Molecular consequence: missense variant.
Genome position (GRCh38, 1-based): chr11:64,753,158, T>C on the plus strand (A>G on the coding strand, the complement: PYGM is on the minus strand). VCF-style: chr11-64753158-T-C. GRCh37 (hg19) VCF-style: chr11-64520630-T-C.
Other names: c.1169A>G, p.His390Arg (NM_001164716.1); short protein forms H478R, H390R.
Identifiers: ClinVar variation 424032 (VCV000424032.38), dbSNP rs758131128, ClinGen allele CA6079857.

ClinVar aggregate classification (germline): Uncertain significance. Review status: criteria provided, multiple submitters, no conflicts (2 of 4 stars). 5 submissions from 5 submitters: Uncertain significance (4). 1 of the submissions does not count toward it. Last evaluated 2023-01-01.

Conditions:
Glycogen storage disease, type V (GSD5). Also called: MCARDLE DISEASE; MUSCLE GLYCOGEN PHOSPHORYLASE DEFICIENCY; MYOPHOSPHORYLASE DEFICIENCY; PYGM DEFICIENCY; McArdle type glycogen storage disease. Identifiers: Orphanet 368, MedGen C0017924, MONDO:0009293, OMIM 232600.

Allele frequency attached by ClinVar (database versions not stated): gnomAD exomes below 0.00001 and 0.00003; ExAC 0.00001; TOPMed 0.00001.
gnomAD v4.1: 40 of 1,613,606 alleles (0.0025%); highest among the groups gnomAD compares: Non-Finnish European, 0.0033%; no homozygotes.

Submissions (5):

CeGaT Center for Human Genetics Tuebingen
Classification: Uncertain significance. Last evaluated: 2023-01-01. Review status: criteria provided, single submitter. Criteria: CeGaT Center For Human Genetics Tuebingen Variant Classification Criteria Version 2. Collection method: clinical testing. Allele origin: germline. Affected: yes. Observed: 1 variant allele.

Labcorp Genetics (formerly Invitae), Labcorp
Classification: Uncertain significance for Glycogen storage disease, type V. Last evaluated: 2021-08-28. Review status: criteria provided, single submitter. Criteria: Invitae Variant Classification Sherloc (09022015). Collection method: clinical testing. Allele origin: germline.

Revvity Omics, Revvity
Classification: Uncertain significance for Glycogen storage disease, type V. Last evaluated: 2019-03-07. Review status: criteria provided, single submitter. Criteria: ACMG Guidelines, 2015. Collection method: clinical testing. Allele origin: germline.

GeneDx
Classification: Uncertain significance. Last evaluated: 2017-02-27. Review status: criteria provided, single submitter. Criteria: GeneDx Variant Classification (06012015). Collection method: clinical testing. Allele origin: germline. Affected: yes.
Comment: The c.1433A>G variant in the PYGM gene has not been reported previously as a pathogenic variant, nor as a benign variant, to our knowledge. The c.1433A>G variant is not observed at a significant frequency in large population cohorts (Lek et al., 2016; 1000 Genomes Consortium et al., 2015; Exome Variant Server). In-silico splice prediction models predict that c.1433A>G may create a cryptic splice donor site in exon 12 that could supplant the natural splice acceptor site. However, in the absence of RNA/functional studies, the actual effect of the c.1433A>G change in this individual is unknown. If c.1433A>G does not alter splicing, it will result in the H478R missense change. The H478R variant is a conservative amino acid substitution, which is not likely to impact secondary protein structure as these residues share similar properties. This substitution occurs at a position that is conserved across species. In silico analysis is inconsistent in its predictions as to whether or not the variant is damaging to the protein structure/function. We interpret c.1433A>G as a variant of uncertain significance.

Natera, Inc.
Classification: Uncertain significance for Glycogen storage disease V. Last evaluated: 2020-01-17. Review status: no assertion criteria provided. Collection method: clinical testing. Allele origin: germline. Not counted in ClinVar's aggregate classification.